The following is an entry in ClinVar:

ClinVar aggregate classification (germline): Benign/Likely benign. Review status: criteria provided, multiple submitters, no conflicts (2 of 4 stars). 11 submissions from 11 submitters: Benign (4); Likely benign (7). Last evaluated 2026-07-01.

Conditions:
Microcephalic osteodysplastic primordial dwarfism type II (MOPD2). Also called: MOPD II; Microcephalic osteodysplastic primordial dwarfism with tooth abnormalities; OSTEODYSPLASTIC PRIMORDIAL DWARFISM, TYPE II. Identifiers: Orphanet 2637, MedGen C0432246, MONDO:0008872, OMIM 210720.
Renal cyst. Also called: Renal cysts; cystic kidneys; Cystic kidney disease. Identifiers: MedGen C3887499, MONDO:0002473, HP:0000107.

Allele frequency attached by ClinVar (database versions not stated): 1000 Genomes Project 30x 0.00156; 1000 Genomes Project 0.00160; TOPMed 0.00431; gnomAD 0.00437; ESP Exome Variant Server 0.00577; gnomAD exomes 0.00655.
gnomAD v4.1: 10,170 of 1,613,950 alleles (0.63%); highest among the groups gnomAD compares: Non-Finnish European, 0.78%; 41 homozygotes.

Submissions (11):

CeGaT Center for Human Genetics Tuebingen
Classification: Likely benign. Last evaluated: 2026-07-01. Review status: criteria provided, single submitter. Criteria: CeGaT Center For Human Genetics Tuebingen Variant Classification Criteria Version 2. Collection method: clinical testing. Allele origin: germline. Affected: yes. Observed: 13 variant alleles.
Comment: PCNT: BP4, BS2

Labcorp Genetics (formerly Invitae), Labcorp
Classification: Benign. Last evaluated: 2026-01-28. Review status: criteria provided, single submitter. Criteria: Invitae Variant Classification Sherloc (09022015). Collection method: clinical testing. Allele origin: germline.

Blueprint Genetics
Classification: Likely benign. Last evaluated: 2024-11-27. Review status: criteria provided, single submitter. Criteria: ACMG Guidelines, 2015. Collection method: clinical testing. Allele origin: germline.

ARUP Laboratories, Molecular Genetics and Genomics, ARUP Laboratories
Classification: Likely benign for Microcephalic osteodysplastic primordial dwarfism type II. Last evaluated: 2023-09-27. Review status: criteria provided, single submitter. Criteria: ARUP Molecular Germline Variant Investigation Process 2024. Collection method: clinical testing. Allele origin: germline.

Cambridge Genomics Laboratory, East Genomic Laboratory Hub, NHS Genomic Medicine Service
Classification: Likely benign for Renal cyst. Last evaluated: 2020-03-27. Review status: criteria provided, single submitter. Criteria: ACGS Best Practice Guidelines for Variant Classification in Rare Disease 2020. Collection method: clinical testing. Allele origin: germline. Affected: yes. Observed: 1 variant allele.

Illumina Laboratory Services, Illumina
Classification: Likely benign for Microcephalic osteodysplastic primordial dwarfism type II. Last evaluated: 2018-01-13. Review status: criteria provided, single submitter. Criteria: ICSL Variant Classification Criteria 13 December 2019. Collection method: clinical testing. Allele origin: germline.
Comment: This variant was observed in the ICSL laboratory as part of a predisposition screen in an ostensibly healthy population. It had not been previously curated by ICSL or reported in the Human Gene Mutation Database (HGMD: prior to June 1st, 2018), and was therefore a candidate for classification through an automated scoring system. Utilizing variant allele frequency, disease prevalence and penetrance estimates, and inheritance mode, an automated score was calculated to assess if this variant is too frequent to cause the disease. Based on the score and internal cut-off values, a variant classified as likely benign is not then subjected to further curation. The score for this variant resulted in a classification of likely benign for this disease.

GeneDx
Classification: Benign. Last evaluated: 2017-09-25. Review status: criteria provided, single submitter. Criteria: GeneDx Variant Classification (06012015). Collection method: clinical testing. Allele origin: germline. Affected: yes.
Comment: This variant is considered likely benign or benign based on one or more of the following criteria: it is a conservative change, it occurs at a poorly conserved position in the protein, it is predicted to be benign by multiple in silico algorithms, and/or has population frequency not consistent with disease.

Center for Pediatric Genomic Medicine, Children's Mercy Hospital and Clinics
Classification: Likely benign. Last evaluated: 2017-01-24. Review status: criteria provided, single submitter. Criteria: ACMG Guidelines, 2015. Collection method: clinical testing. Allele origin: germline.
ClinVar note: Converted during submission from Likely Benign to Likely benign.

Eurofins Ntd Llc (ga)
Classification: Benign. Last evaluated: 2015-05-20. Review status: criteria provided, single submitter. Criteria: EGL Classification Definitions 2015. Collection method: clinical testing. Allele origin: germline. Observed: 1 variant allele, 1 heterozygote.

Genetic Services Laboratory, University of Chicago
Classification: Benign. Last evaluated: 2013-02-08. Review status: criteria provided, single submitter. Criteria: ACMG Guidelines, 2007. Collection method: clinical testing. Allele origin: germline. Inheritance: Autosomal recessive inheritance.

Breakthrough Genomics
Classification: Likely benign. Review status: criteria provided, single submitter. Criteria: ACMG Guidelines, 2015. Collection method: not provided. Allele origin: germline. Inheritance: Autosomal recessive inheritance. Affected: yes.

NM_006031.6(PCNT):c.4285C>T (p.Arg1429Cys)

Gene: PCNT (pericentrin; plus strand). Cytogenetic location: 21q22.3.
Variant type: single nucleotide variant.
Coding change: c.4285C>T on transcript NM_006031.6 (MANE Select); coding-DNA position 4285, C replaced by T.
Protein change: p.Arg1429Cys; replaces arginine 1429 with cysteine.
Molecular consequence: missense variant.
Genome position (GRCh38, 1-based): chr21:46,397,333, C>T. VCF-style: chr21-46397333-C-T. GRCh37 (hg19) VCF-style: chr21-47817247-C-T.
Other names: c.3931C>T, p.Arg1311Cys (NM_001315529.2); short protein forms R1429C, R1311C.
Identifiers: ClinVar variation 159599 (VCV000159599.68), dbSNP rs62224222, ClinGen allele CA173002.
Genomic context (GRCh38, chr21:46,397,333, plus strand): 5'-AAGGAAGTGGAGGATCTGACCAAAGAACAGTCGGAGACCAGGAAGCAGGCTGAGAAGGAC[C>T]GCTCAGCCCTGCTCTCCCAGATGAAGATTTTGGAGTCTGAGTTAGAAGAACAGCTGTCTC-3'
Protein context (NP_006022.3, residues 1419-1439): SETRKQAEKD[Arg1429Cys]SALLSQMKIL